The following is an entry in ClinVar:

NM_005475.3(SH2B3):c.1511C>G (p.Ser504Cys)

Gene: SH2B3 (SH2B adaptor protein 3; plus strand). Cytogenetic location: 12q24.12.
Variant type: single nucleotide variant.
Coding change: c.1511C>G on transcript NM_005475.3 (MANE Select); coding-DNA position 1511, C replaced by G.
Protein change: p.Ser504Cys; replaces serine 504 with cysteine.
Molecular consequence: missense variant.
Genome position (GRCh38, 1-based): chr12:111,448,085, C>G. VCF-style: chr12-111448085-C-G. GRCh37 (hg19) VCF-style: chr12-111885889-C-G.
Other names: c.905C>G, p.Ser302Cys (NM_001291424.1); short protein forms S302C, S504C.
Identifiers: ClinVar variation 3953505 (VCV003953505.1).

ClinVar aggregate classification (germline): Uncertain significance (1 of 4 stars; one submission).

Conditions:
Inborn genetic diseases. Identifiers: MedGen C0950123, MeSH D030342.

Submission:

Ambry Genetics
Classification: Uncertain significance for Inborn genetic diseases. Last evaluated: 2025-05-19. Review status: criteria provided, single submitter. Criteria: Ambry Variant Classification Scheme 2023. Collection method: clinical testing. Allele origin: germline.
Comment: The p.S504C variant (also known as c.1511C>G), located in coding exon 7 of the SH2B3 gene, results from a C to G substitution at nucleotide position 1511. The serine at codon 504 is replaced by cysteine, an amino acid with dissimilar properties. This amino acid position is conserved. In addition, this alteration is predicted to be tolerated by in silico analysis. Based on the available evidence, the clinical significance of this variant remains unclear.